The following is an entry in ClinVar:

NM_176869.3(PPA2):c.910C>T (p.Gln304Ter)

Gene: PPA2 (inorganic pyrophosphatase 2; minus strand). Cytogenetic location: 4q24.
Variant type: single nucleotide variant.
Coding change: c.910C>T on transcript NM_176869.3 (MANE Select); coding-DNA position 910, C replaced by T.
Protein change: p.Gln304Ter; replaces glutamine 304 with a stop codon.
Molecular consequence: nonsense.
Genome position (GRCh38, 1-based): chr4:105,386,596, G>A on the plus strand (C>T on the coding strand, the complement: PPA2 is on the minus strand). VCF-style: chr4-105386596-G-A. GRCh37 (hg19) VCF-style: chr4-106307753-G-A.
Other names: c.823C>T, p.Gln275Ter (NM_006903.4); c.604C>T, p.Gln202Ter (NM_176866.2); c.412C>T, p.Gln138Ter (NM_176867.3); short protein forms Q202*, Q138*, Q304*, Q275*.
Identifiers: ClinVar variation 1959645 (VCV001959645.3), dbSNP rs144436495, ClinGen allele CA3032368.

ClinVar aggregate classification (germline): Uncertain significance (1 of 4 stars; one submission).

Allele frequency attached by ClinVar (database versions not stated): gnomAD exomes below 0.00001; ExAC 0.00001; ESP Exome Variant Server 0.00008.

Submission:

Labcorp Genetics (formerly Invitae), Labcorp
Classification: Uncertain significance. Last evaluated: 2022-03-17. Review status: criteria provided, single submitter. Criteria: Invitae Variant Classification Sherloc (09022015). Collection method: clinical testing. Allele origin: germline.
Comment: In summary, the available evidence is currently insufficient to determine the role of this variant in disease. Therefore, it has been classified as a Variant of Uncertain Significance. This variant has not been reported in the literature in individuals affected with PPA2-related conditions. This variant is present in population databases (rs144436495, gnomAD 0.007%). This sequence change creates a premature translational stop signal (p.Gln304*) in the PPA2 gene. It is expected to result in an absent or disrupted protein product. However, the current clinical and genetic evidence is not sufficient to establish whether loss-of-function variants in PPA2 cause disease.